The following is an entry in ClinVar:

ClinVar aggregate classification (germline): Benign/Likely benign. Review status: criteria provided, multiple submitters, no conflicts (2 of 4 stars). 3 submissions from 3 submitters: Benign (2); Likely benign (1). Last evaluated 2024-01-01.

Allele frequency attached by ClinVar (database versions not stated): gnomAD exomes 0.00018 and 0.00043; ExAC 0.00049; ESP Exome Variant Server 0.00161; gnomAD 0.00166 and 0.00182; TOPMed 0.00185; 1000 Genomes Project 30x 0.00203; 1000 Genomes Project 0.00220.
gnomAD v4.1: 521 of 1,614,166 alleles (0.032%); highest among the groups gnomAD compares: African/African-American, 0.64%; 3 homozygotes.

Submissions (3):

CeGaT Center for Human Genetics Tuebingen
Classification: Likely benign. Last evaluated: 2024-01-01. Review status: criteria provided, single submitter. Criteria: CeGaT Center For Human Genetics Tuebingen Variant Classification Criteria Version 2. Collection method: clinical testing. Allele origin: germline. Affected: yes. Observed: 1 variant allele.
Comment: FRY: BP4, BP7

Labcorp Genetics (formerly Invitae), Labcorp
Classification: Benign. Last evaluated: 2019-12-31. Review status: criteria provided, single submitter. Criteria: Invitae Variant Classification Sherloc (09022015). Collection method: clinical testing. Allele origin: germline.

Breakthrough Genomics
Classification: Benign. Review status: criteria provided, single submitter. Criteria: ACMG Guidelines, 2015. Collection method: not provided. Allele origin: germline. Inheritance: Unknown mechanism. Affected: yes.

NM_023037.3(FRY):c.5937A>G (p.Gln1979=)

Gene: FRY (FRY microtubule binding protein; plus strand). Cytogenetic location: 13q13.1.
Variant type: single nucleotide variant.
Coding change: c.5937A>G on transcript NM_023037.3 (MANE Select); coding-DNA position 5937, A replaced by G.
Protein change: p.Gln1979=; no amino-acid change (glutamine 1979 retained).
Molecular consequence: synonymous variant.
Genome position (GRCh38, 1-based): chr13:32,237,505, A>G. VCF-style: chr13-32237505-A-G. GRCh37 (hg19) VCF-style: chr13-32811642-A-G.
Identifiers: ClinVar variation 716993 (VCV000716993.27), dbSNP rs138935146, ClinGen allele CA6939342.